The following is an entry in ClinVar:

NM_005763.4(AASS):c.499G>T (p.Gly167Cys)

Gene: AASS (aminoadipate-semialdehyde synthase; minus strand). Cytogenetic location: 7q31.32.
Variant type: single nucleotide variant.
Coding change: c.499G>T on transcript NM_005763.4 (MANE Select); coding-DNA position 499, G replaced by T.
Protein change: p.Gly167Cys; replaces glycine 167 with cysteine.
Molecular consequence: missense variant.
Genome position (GRCh38, 1-based): chr7:122,118,604, C>A on the plus strand (G>T on the coding strand, the complement: AASS is on the minus strand). VCF-style: chr7-122118604-C-A. GRCh37 (hg19) VCF-style: chr7-121758658-C-A.
Other names: short protein forms G167C.
Identifiers: ClinVar variation 1205318 (VCV001205318.4), dbSNP rs762222413, ClinGen allele CA4458620.

ClinVar aggregate classification (germline): Uncertain significance. Review status: criteria provided, multiple submitters, no conflicts (2 of 4 stars). 2 submissions from 2 submitters: Uncertain significance (2). Last evaluated 2025-02-18.

Conditions:
Inborn genetic diseases. Identifiers: MedGen C0950123, MeSH D030342.

Allele frequency attached by ClinVar (database versions not stated): TOPMed below 0.00001; ExAC 0.00001; gnomAD exomes 0.00001.
gnomAD v4.1: 10 of 1,613,878 alleles (0.00062%); highest among the groups gnomAD compares: Non-Finnish European, 0.00085%; no homozygotes.

Submissions (2):

Ambry Genetics
Classification: Uncertain significance for Inborn genetic diseases. Last evaluated: 2025-02-18. Review status: criteria provided, single submitter. Criteria: Ambry Variant Classification Scheme 2023. Collection method: clinical testing. Allele origin: germline.

GeneDx
Classification: Uncertain significance. Last evaluated: 2019-11-16. Review status: criteria provided, single submitter. Criteria: GeneDx Variant Classification Process June 2021. Collection method: clinical testing. Allele origin: germline. Affected: yes.
Comment: Has not been previously published as pathogenic or benign to our knowledge; Not observed in large population cohorts (Lek et al., 2016); In silico analysis, which includes protein predictors and evolutionary conservation, supports a deleterious effect